The following is an entry in ClinVar:

NM_002386.4(MC1R):c.191C>T (p.Ala64Val)

Gene: MC1R (melanocortin 1 receptor; plus strand). Cytogenetic location: 16q24.3.
Variant type: single nucleotide variant.
Coding change: c.191C>T on transcript NM_002386.4 (MANE Select); coding-DNA position 191, C replaced by T.
Protein change: p.Ala64Val; replaces alanine 64 with valine.
Molecular consequence: missense variant.
Genome position (GRCh38, 1-based): chr16:89,919,449, C>T. VCF-style: chr16-89919449-C-T. GRCh37 (hg19) VCF-style: chr16-89985857-C-T.
Other names: short protein forms A64V.
Identifiers: ClinVar variation 4842617 (VCV004842617.1).

ClinVar aggregate classification (germline): Uncertain significance (1 of 4 stars; one submission).

Submission:

Ambry Genetics
Classification: Uncertain significance. Last evaluated: 2025-12-27. Review status: criteria provided, single submitter. Criteria: Ambry Variant Classification Scheme 2023. Collection method: clinical testing. Allele origin: germline.
Comment: The p.A64V variant (also known as c.191C>T), located in coding exon 1 of the MC1R gene, results from a C to T substitution at nucleotide position 191. The alanine at codon 64 is replaced by valine, an amino acid with similar properties. This amino acid position is conserved. In addition, this alteration is predicted to be tolerated by in silico analysis. Based on the available evidence, the clinical significance of this variant remains unclear.